The following is an entry in ClinVar:

ClinVar aggregate classification (germline): Conflicting classifications of pathogenicity. Review status: criteria provided, conflicting classifications (1 of 4 stars). 3 submissions from 3 submitters: Uncertain significance (2); Likely benign (1). Last evaluated 2025-12-09.

Conditions:
Familial meningioma. Also called: Meningioma, familial, susceptibility to. Identifiers: Orphanet 263662, MedGen C3551915, MONDO:0011789, OMIM 607174.
Hereditary cancer-predisposing syndrome. Also called: Neoplastic Syndromes, Hereditary; Tumor predisposition; Hereditary neoplastic syndrome; Hereditary Cancer Syndrome. Identifiers: Orphanet 140162, MedGen C0027672, MeSH D009386, MONDO:0015356.

Allele frequency attached by ClinVar (database versions not stated): gnomAD 0.00001; gnomAD exomes 0.00001 and 0.00004; TOPMed 0.00001; ExAC 0.00006.

Submissions (3):

Labcorp Genetics (formerly Invitae), Labcorp
Classification: Uncertain significance for Familial meningioma. Last evaluated: 2025-12-09. Review status: criteria provided, single submitter. Criteria: Invitae Variant Classification Sherloc (09022015). Collection method: clinical testing. Allele origin: germline.
Comment: This sequence change replaces methionine, which is neutral and non-polar, with valine, which is neutral and non-polar, at codon 188 of the SMARCE1 protein (p.Met188Val). This variant is present in population databases (rs765003978, gnomAD 0.01%). This variant has not been reported in the literature in individuals affected with SMARCE1-related conditions. ClinVar contains an entry for this variant (Variation ID: 825856). Invitae Evidence Modeling of protein sequence and biophysical properties (such as structural, functional, and spatial information, amino acid conservation, physicochemical variation, residue mobility, and thermodynamic stability) indicates that this missense variant is not expected to disrupt SMARCE1 protein function with a negative predictive value of 80%. RNA analysis performed to evaluate the impact of this missense change on mRNA splicing indicates it does not significantly alter splicing (internal data). In summary, the available evidence is currently insufficient to determine the role of this variant in disease. Therefore, it has been classified as a Variant of Uncertain Significance.

Ambry Genetics
Classification: Likely benign for Hereditary cancer-predisposing syndrome. Last evaluated: 2025-10-30. Review status: criteria provided, single submitter. Criteria: Ambry Variant Classification Scheme 2023. Collection method: clinical testing. Allele origin: germline.

Baylor Genetics
Classification: Uncertain significance for Familial meningioma. Last evaluated: 2023-05-05. Review status: criteria provided, single submitter. Criteria: ACMG Guidelines, 2015. Collection method: clinical testing. Allele origin: unknown.

NM_003079.5(SMARCE1):c.562A>G (p.Met188Val)

Gene: SMARCE1 (SWI/SNF related BAF chromatin remodeling complex subunit E1; minus strand). Cytogenetic location: 17q21.2.
Variant type: single nucleotide variant.
Coding change: c.562A>G on transcript NM_003079.5 (MANE Select); coding-DNA position 562, A replaced by G.
Protein change: p.Met188Val; replaces methionine 188 with valine.
Molecular consequence: missense variant.
Genome position (GRCh38, 1-based): chr17:40,632,347, T>C on the plus strand (A>G on the coding strand, the complement: SMARCE1 is on the minus strand). VCF-style: chr17-40632347-T-C. GRCh37 (hg19) VCF-style: chr17-38788599-T-C.
Other names: short protein forms M188V.
Identifiers: ClinVar variation 825856 (VCV000825856.16), dbSNP rs765003978, ClinGen allele CA8545211.